The following is an entry in ClinVar:

NM_024422.6(DSC2):c.128T>C (p.Leu43Pro)

Gene: DSC2 (desmocollin 2; minus strand). Cytogenetic location: 18q12.1.
Variant type: single nucleotide variant.
Coding change: c.128T>C on transcript NM_024422.6 (MANE Select); coding-DNA position 128, T replaced by C.
Protein change: p.Leu43Pro; replaces leucine 43 with proline.
Molecular consequence: missense variant. On other transcripts: 5 prime UTR variant (2).
Genome position (GRCh38, 1-based): chr18:31,093,585, A>G on the plus strand (T>C on the coding strand, the complement: DSC2 is on the minus strand). VCF-style: chr18-31093585-A-G. GRCh37 (hg19) VCF-style: chr18-28673548-A-G.
Other names: c.-302T>C (NM_001406506.1, NM_001406507.1); c.128T>C, p.Leu43Pro (NM_004949.5); short protein forms L43P.
Identifiers: ClinVar variation 2850089 (VCV002850089.3), dbSNP rs2510957197, ClinGen allele CA402115062.

ClinVar aggregate classification (germline): Uncertain significance (1 of 4 stars; one submission).

Conditions:
Arrhythmogenic right ventricular dysplasia 11. Also called: ARRHYTHMOGENIC RIGHT VENTRICULAR DYSPLASIA, FAMILIAL, 11; Arrhythmogenic Right Ventricular Dysplasia/Cardiomyopathy11; Arrhythmogenic right ventricular dysplasia 11 with mild palmoplantar keratoderma and woolly hair. Identifiers: MedGen C1864850, MONDO:0012506, OMIM 610476.

Submission:

Labcorp Genetics (formerly Invitae), Labcorp
Classification: Uncertain significance for Arrhythmogenic right ventricular dysplasia 11. Last evaluated: 2024-10-18. Review status: criteria provided, single submitter. Criteria: Invitae Variant Classification Sherloc (09022015). Collection method: clinical testing. Allele origin: germline.
Comment: This sequence change replaces leucine, which is neutral and non-polar, with proline, which is neutral and non-polar, at codon 43 of the DSC2 protein (p.Leu43Pro). This variant is not present in population databases (gnomAD no frequency). This variant has not been reported in the literature in individuals affected with DSC2-related conditions. Invitae Evidence Modeling of protein sequence and biophysical properties (such as structural, functional, and spatial information, amino acid conservation, physicochemical variation, residue mobility, and thermodynamic stability) indicates that this missense variant is expected to disrupt DSC2 protein function with a positive predictive value of 80%. In summary, the available evidence is currently insufficient to determine the role of this variant in disease. Therefore, it has been classified as a Variant of Uncertain Significance.